The following is an entry in ClinVar:

NM_001903.5(CTNNA1):c.2307C>T (p.Asp769=)

Gene: CTNNA1 (catenin alpha 1; plus strand). Cytogenetic location: 5q31.2.
Variant type: single nucleotide variant.
Coding change: c.2307C>T on transcript NM_001903.5 (MANE Select); coding-DNA position 2307, C replaced by T.
Protein change: p.Asp769=; no amino-acid change (aspartic acid 769 retained).
Molecular consequence: synonymous variant. On other transcripts: intron variant (1).
Genome position (GRCh38, 1-based): chr5:138,932,586, C>T. VCF-style: chr5-138932586-C-T. GRCh37 (hg19) VCF-style: chr5-138268275-C-T.
Other names: c.2307C>T, p.Asp769= (NM_001290307.3, NM_001323982.2, NM_001323983.1 and 2 more transcripts); c.1998C>T, p.Asp666= (NM_001290309.3); c.1938C>T, p.Asp646= (NM_001290310.3); c.1197C>T, p.Asp399= (NM_001290312.1, NM_001323987.1, NM_001323988.1 and 16 more transcripts); c.2214C>T, p.Asp738= (NM_001323986.2); c.858C>T, p.Asp286= (NM_001324006.1, NM_001324007.1, NM_001324008.1 and 2 more transcripts); c.1104C>T, p.Asp368= (NM_001324011.1); c.954C>T, p.Asp318= (NM_001324012.1, NM_001324013.1); and 1 more.
Identifiers: ClinVar variation 702789 (VCV000702789.16), dbSNP rs200857725, ClinGen allele CA3432168.

ClinVar aggregate classification (germline): Benign/Likely benign. Review status: criteria provided, multiple submitters, no conflicts (2 of 4 stars). 4 submissions from 4 submitters: Benign (2); Likely benign (2). Last evaluated 2025-12-29.

Conditions:
Hereditary diffuse gastric adenocarcinoma (HDGC). Also called: DIFFUSE GASTRIC AND LOBULAR BREAST CANCER SYNDROME. Identifiers: Orphanet 26106, MedGen C1708349, MONDO:0007648, OMIM 137215.
Hereditary cancer-predisposing syndrome. Also called: Tumor predisposition; Hereditary neoplastic syndrome; Neoplastic Syndromes, Hereditary; Hereditary Cancer Syndrome. Identifiers: Orphanet 140162, MedGen C0027672, MeSH D009386, MONDO:0015356.

Allele frequency attached by ClinVar (database versions not stated): gnomAD exomes 0.00001 and 0.00008; TOPMed 0.00002; gnomAD 0.00003 and 0.00004; ExAC 0.00011; 1000 Genomes Project 30x 0.00016; 1000 Genomes Project 0.00020.
gnomAD v4.1: 20 of 1,614,164 alleles (0.0012%); highest among the groups gnomAD compares: East Asian, 0.038%; no homozygotes.

Submissions (4):

Center for Genomic Medicine, Rigshospitalet, Copenhagen University Hospital
Classification: Likely benign. Last evaluated: 2025-12-29. Review status: criteria provided, single submitter. Criteria: ACMG Guidelines, 2015. Collection method: clinical testing. Allele origin: germline.
Comment: Classification criteria: BP4, BP7

Labcorp Genetics (formerly Invitae), Labcorp
Classification: Benign. Last evaluated: 2025-12-13. Review status: criteria provided, single submitter. Criteria: Invitae Variant Classification Sherloc (09022015). Collection method: clinical testing. Allele origin: germline.

Myriad Genetics, Inc.
Classification: Benign for Hereditary diffuse gastric adenocarcinoma. Last evaluated: 2024-10-15. Review status: criteria provided, single submitter. Criteria: Myriad Autosomal Dominant, Autosomal Recessive and X-Linked Classification Criteria (2023). Collection method: clinical testing. Allele origin: unknown.
Comment: This variant is considered benign. This variant is a silent/synonymous amino acid change and it is not expected to impact splicing.

Ambry Genetics
Classification: Likely benign for Hereditary cancer-predisposing syndrome. Last evaluated: 2019-10-14. Review status: criteria provided, single submitter. Criteria: Ambry Variant Classification Scheme 2023. Collection method: clinical testing. Allele origin: germline.